The following is an entry in ClinVar:

NM_000551.4(VHL):c.464-7_464-3del

Genes: VHL (von Hippel-Lindau tumor suppressor; plus strand), LOC107303340 (3p25 von Hippel-Lindau tumor suppressor, E3 ubiquitin protein ligase Alu-mediated recombination region; plus strand). Cytogenetic location: 3p25.3.
Variant type: Deletion.
Coding change: c.464-7_464-3del on transcript NM_000551.4 (MANE Select); 7 bases into the intron before coding-DNA position 464 through 3 bases into the intron before coding-DNA position 464, 5 bases deleted (CTTCC; older notation c.464-7_464-3delCTTCC).
Molecular consequence: intron variant.
Genome position (GRCh38, 1-based): chr3:10,149,780-10,149,784, CTTCC deleted; deleting any 5 consecutive bases within chr3:10,149,778-10,149,784 gives the same sequence; the c. name uses the placement nearest the transcript's 3' end. VCF-style (leftmost placement, unchanged base first): chr3-10149777-GCCCTT-G. GRCh37 (hg19) VCF-style: chr3-10191461-GCCCTT-G.
Other names: c.*18-7_*18-3del (NM_001354723.2); c.341-7_341-3del (NM_198156.3).
Identifiers: ClinVar variation 2586592 (VCV002586592.2), dbSNP rs2470170606, ClinGen allele CA2582342836.

ClinVar aggregate classification (germline): Uncertain significance (1 of 4 stars; one submission).

Conditions:
Hereditary cancer-predisposing syndrome. Also called: Hereditary neoplastic syndrome; Tumor predisposition; Hereditary Cancer Syndrome; Neoplastic Syndromes, Hereditary. Identifiers: Orphanet 140162, MedGen C0027672, MeSH D009386, MONDO:0015356.

Submission:

Ambry Genetics
Classification: Uncertain significance for Hereditary cancer-predisposing syndrome. Last evaluated: 2023-09-02. Review status: criteria provided, single submitter. Criteria: Ambry Variant Classification Scheme 2023. Collection method: clinical testing. Allele origin: germline.
Comment: The c.464-7_464-3delCTTCC intronic variant, located in intron 2 of the VHL gene, results from a deletion of 5 nucleotides within intron 2 of the VHL gene. This nucleotide region is not well conserved in available vertebrate species. In silico splice site analysis predicts that this alteration will weaken the native splice acceptor site; however, direct evidence is insufficient at this time (Ambry internal data). Since supporting evidence is limited at this time, the clinical significance of this alteration remains unclear.